The following is an entry in ClinVar:

NM_000179.3(MSH6):c.2765del (p.Arg922fs)

Gene: MSH6 (mutS homolog 6; plus strand). Cytogenetic location: 2p16.3.
Variant type: Deletion.
Coding change: c.2765del on transcript NM_000179.3 (MANE Select); coding-DNA position 2765, one base deleted (G; older notation c.2765delG).
Protein change: p.Arg922fs; shifts the reading frame from arginine 922.
Molecular consequence: frameshift variant.
Genome position (GRCh38, 1-based): chr2:47,800,748, G deleted. VCF-style (leftmost placement, unchanged base first): chr2-47800747-CG-C. GRCh37 (hg19) VCF-style: chr2-48027886-CG-C.
Other names: c.2375del, p.Arg792fs (NM_001281492.2); c.1859del, p.Arg620fs (NM_001281493.2, NM_001281494.2); short protein forms R620fs, R792fs.
Identifiers: ClinVar variation 89315 (VCV000089315.2), dbSNP rs587779247, ClinGen allele CA010842.

ClinVar aggregate classification (germline): Pathogenic (3 of 4 stars; one submission).

Conditions:
Lynch syndrome. Identifiers: Orphanet 144, MedGen C4552100, MONDO:0005835. Disease mechanism: loss of function.

Submission:

International Society for Gastrointestinal Hereditary Tumours (InSiGHT)
Classification: Pathogenic for Lynch Syndrome. Last evaluated: 2013-09-05. Review status: reviewed by expert panel. Criteria: Guidelines v1.9. Collection method: research. Allele origin: germline.
Comment: Coding sequence variation resulting in a stop codon

Classified with v1.9 guidelines